The following is an entry in ClinVar:

ClinVar aggregate classification (germline): Uncertain significance (1 of 4 stars; one submission).

Conditions:
Hypertrophic cardiomyopathy. Also called: HYPERTROPHIC MYOCARDIOPATHY. Identifiers: Orphanet 217569, MedGen C0007194, MeSH D002312, MONDO:0005045, HP:0001639.

Submission:

Labcorp Genetics (formerly Invitae), Labcorp
Classification: Uncertain significance for Hypertrophic cardiomyopathy. Last evaluated: 2021-04-08. Review status: criteria provided, single submitter. Criteria: Invitae Variant Classification Sherloc (09022015). Collection method: clinical testing. Allele origin: germline.
Comment: In summary, the available evidence is currently insufficient to determine the role of this variant in disease. Therefore, it has been classified as a Variant of Uncertain Significance. Algorithms developed to predict the effect of missense changes on protein structure and function are either unavailable or do not agree on the potential impact of this missense change (SIFT: "Deleterious"; PolyPhen-2: "Benign"; Align-GVGD: "Class C0"). This variant has not been reported in the literature in individuals with MYOM1-related conditions. This variant is not present in population databases (ExAC no frequency). This sequence change replaces valine with methionine at codon 1544 of the MYOM1 protein (p.Val1544Met). The valine residue is moderately conserved and there is a small physicochemical difference between valine and methionine.

NM_003803.4(MYOM1):c.4630G>A (p.Val1544Met)

Gene: MYOM1 (myomesin 1; minus strand). Cytogenetic location: 18p11.31.
Variant type: single nucleotide variant.
Coding change: c.4630G>A on transcript NM_003803.4 (MANE Select); coding-DNA position 4630, G replaced by A.
Protein change: p.Val1544Met; replaces valine 1544 with methionine.
Molecular consequence: missense variant.
Genome position (GRCh38, 1-based): chr18:3,079,197, C>T on the plus strand (G>A on the coding strand, the complement: MYOM1 is on the minus strand). VCF-style: chr18-3079197-C-T. GRCh37 (hg19) VCF-style: chr18-3079195-C-T.
Other names: c.4342G>A, p.Val1448Met (NM_019856.2); short protein forms V1448M, V1544M.
Identifiers: ClinVar variation 1385630 (VCV001385630.8), dbSNP rs2143660426, ClinGen allele CA401707975.
Genomic context (GRCh38, chr18:3,079,197, plus strand): 5'-ATTCATCTAGAGTAAATTTGAATCTGCAAAATATCTGTTTACCTTGTCCAGAGAGATCCA[C>T]TGTCTTCTGATGTCCAGTTTTGCCATCAAAGAGCTCCATGACATACTTCCCTTTGTCATT-3'
Protein context (NP_003794.3, residues 1534-1554): FDGKTGHQKT[Val1544Met]DLSGQAYDEA